The following is an entry in ClinVar:

ClinVar aggregate classification (germline): Uncertain significance (1 of 4 stars; one submission).

Conditions:
Hereditary cancer-predisposing syndrome. Also called: Neoplastic Syndromes, Hereditary; Tumor predisposition; Hereditary neoplastic syndrome; Hereditary Cancer Syndrome. Identifiers: Orphanet 140162, MedGen C0027672, MeSH D009386, MONDO:0015356.

Submission:

Ambry Genetics
Classification: Uncertain significance for Hereditary cancer-predisposing syndrome. Last evaluated: 2026-07-07. Review status: criteria provided, single submitter. Criteria: Ambry Variant Classification Scheme 2023. Collection method: clinical testing. Allele origin: germline.
Comment: The p.E127Q variant (also known as c.379G>C), located in coding exon 3 of the SUFU gene, results from a G to C substitution at nucleotide position 379. The glutamic acid at codon 127 is replaced by glutamine, an amino acid with highly similar properties. This amino acid position is conserved. In addition, the in silico prediction for this alteration is inconclusive. Based on the available evidence, the clinical significance of this variant remains unclear.

NM_016169.4(SUFU):c.379G>C (p.Glu127Gln)

Gene: SUFU (SUFU negative regulator of hedgehog signaling; plus strand). Cytogenetic location: 10q24.32.
Variant type: single nucleotide variant.
Coding change: c.379G>C on transcript NM_016169.4 (MANE Select); coding-DNA position 379, G replaced by C.
Protein change: p.Glu127Gln; replaces glutamic acid 127 with glutamine.
Molecular consequence: missense variant.
Genome position (GRCh38, 1-based): chr10:102,550,031, G>C. VCF-style: chr10-102550031-G-C. GRCh37 (hg19) VCF-style: chr10-104309788-G-C.
Other names: c.379G>C, p.Glu127Gln (NM_001178133.2); short protein forms E127Q.
Identifiers: ClinVar variation 5030392 (VCV005030392.1).
Genomic context (GRCh38, chr10:102,550,031, plus strand): 5'-TTTACAGGAACAGATGGACCTAGTGGTTTTGGCTTTGAGTTGACCTTTCGTCTGAAGAGA[G>C]AAACTGGGGAGTCTGCCCCACCAACATGGCCCGCAGAGTTAATGCAGGGCTTGGCACGAT-3'
Protein context (NP_057253.2, residues 117-137): GFELTFRLKR[Glu127Gln]TGESAPPTWP